The following is an entry in ClinVar:

ClinVar aggregate classification (germline): Benign/Likely benign. Review status: criteria provided, multiple submitters, no conflicts (2 of 4 stars). 4 submissions from 4 submitters: Benign (1); Likely benign (2). 1 of the submissions does not count toward it. Last evaluated 2026-01-24.

Conditions:
ENO3-related disorder. Also called: ENO3-related condition.
Glycogen storage disease due to muscle beta-enolase deficiency (GSD13). Also called: Glycogen Storage Disease Type XIII; ENOLASE 3 DEFICIENCY; ENOLASE-BETA DEFICIENCY; GSD XIII. Identifiers: Orphanet 99849, MedGen C2752027, MONDO:0013046, OMIM 612932.

Allele frequency attached by ClinVar (database versions not stated): gnomAD exomes 0.00010 and 0.00023; ExAC 0.00030; 1000 Genomes Project 0.00060; 1000 Genomes Project 30x 0.00062; ESP Exome Variant Server 0.00115; TOPMed 0.00119; gnomAD 0.00128.

Submissions (4):

Labcorp Genetics (formerly Invitae), Labcorp
Classification: Benign for Glycogen storage disease due to muscle beta-enolase deficiency. Last evaluated: 2026-01-24. Review status: criteria provided, single submitter. Criteria: Invitae Variant Classification Sherloc (09022015). Collection method: clinical testing. Allele origin: germline.

Blueprint Genetics
Classification: Likely benign. Last evaluated: 2024-09-11. Review status: criteria provided, single submitter. Criteria: ACMG Guidelines, 2015. Collection method: clinical testing. Allele origin: germline.

GeneDx
Classification: Likely benign. Last evaluated: 2016-11-07. Review status: criteria provided, single submitter. Criteria: GeneDx Variant Classification (06012015). Collection method: clinical testing. Allele origin: germline. Affected: yes.
Comment: This variant is considered likely benign or benign based on one or more of the following criteria: it is a conservative change, it occurs at a poorly conserved position in the protein, it is predicted to be benign by multiple in silico algorithms, and/or has population frequency not consistent with disease.

PreventionGenetics, part of Exact Sciences
Classification: Likely benign for ENO3-related condition. Last evaluated: 2019-06-12. Review status: no assertion criteria provided. Collection method: clinical testing. Allele origin: germline. Not counted in ClinVar's aggregate classification.
Comment: This variant is classified as likely benign based on ACMG/AMP sequence variant interpretation guidelines (Richards et al. 2015 PMID: 25741868, with internal and published modifications).

NM_053013.4(ENO3):c.1176+8T>C

Gene: ENO3 (enolase 3; plus strand). Cytogenetic location: 17p13.2.
Variant type: single nucleotide variant.
Coding change: c.1176+8T>C on transcript NM_053013.4 (MANE Select); 8 bases into the intron after coding-DNA position 1176, T replaced by C.
Molecular consequence: intron variant.
Genome position (GRCh38, 1-based): chr17:4,956,689, T>C. VCF-style: chr17-4956689-T-C. GRCh37 (hg19) VCF-style: chr17-4859984-T-C.
Other names: c.1176+8T>C (NM_001976.5); c.1047+8T>C (NM_001193503.2).
Identifiers: ClinVar variation 389739 (VCV000389739.15), dbSNP rs111926990, ClinGen allele CA8316575.